The following is an entry in ClinVar:

NM_031407.7(HUWE1):c.12782A>C (p.Asp4261Ala)

Gene: HUWE1 (HECT, UBA and WWE domain containing E3 ubiquitin protein ligase 1; minus strand). Cytogenetic location: Xp11.22.
Variant type: single nucleotide variant.
Coding change: c.12782A>C on transcript NM_031407.7 (MANE Select); coding-DNA position 12782, A replaced by C.
Protein change: p.Asp4261Ala; replaces aspartic acid 4261 with alanine.
Molecular consequence: missense variant.
Genome position (GRCh38, 1-based): chrX:53,534,565, T>G on the plus strand (A>C on the coding strand, the complement: HUWE1 is on the minus strand). VCF-style: chrX-53534565-T-G. GRCh37 (hg19) VCF-style: chrX-53561526-T-G.
Other names: short protein forms D4261A.
Identifiers: ClinVar variation 1703157 (VCV001703157.3), dbSNP rs920562700, ClinGen allele CA329183503.

ClinVar aggregate classification (germline): Uncertain significance (1 of 4 stars; one submission).

Allele frequency attached by ClinVar (database versions not stated): TOPMed below 0.00001.

Submission:

Greenwood Genetic Center Diagnostic Laboratories, Greenwood Genetic Center
Classification: Uncertain significance. Last evaluated: 2022-04-21. Review status: criteria provided, single submitter. Criteria: ACMG Guidelines, 2015. Collection method: clinical testing. Allele origin: germline. Affected: yes.
Comment: PM2 PP2